The following is an entry in ClinVar:

NM_018150.4(RNF220):c.1299C>T (p.Gly433=)

Gene: RNF220 (ring finger protein 220; plus strand). Cytogenetic location: 1p34.1.
Variant type: single nucleotide variant.
Coding change: c.1299C>T on transcript NM_018150.4 (MANE Select); coding-DNA position 1299, C replaced by T.
Protein change: p.Gly433=; no amino-acid change (glycine 433 retained).
Molecular consequence: synonymous variant.
Genome position (GRCh38, 1-based): chr1:44,645,070, C>T. VCF-style: chr1-44645070-C-T. GRCh37 (hg19) VCF-style: chr1-45110742-C-T.
Other names: c.1299C>T, p.Gly433= (NM_001319956.1, NM_001376488.1); c.660C>T, p.Gly220= (NM_001319957.2); c.1377C>T, p.Gly459= (NM_001376486.1, NM_001376487.1); c.525C>T, p.Gly175= (NM_001376489.1).
Identifiers: ClinVar variation 2638773 (VCV002638773.24), dbSNP rs116503928, ClinGen allele CA819694.

ClinVar aggregate classification (germline): Likely benign (1 of 4 stars; one submission).

Allele frequency attached by ClinVar (database versions not stated): ESP Exome Variant Server 0.00354; gnomAD 0.00356; 1000 Genomes Project 30x 0.00390; TOPMed 0.00395; 1000 Genomes Project 0.00419; gnomAD exomes 0.00581; ExAC 0.00642.
gnomAD v4.1: 8,983 of 1,614,076 alleles (0.56%); highest among the groups gnomAD compares: South Asian, 0.86%; 44 homozygotes.

Submission:

CeGaT Center for Human Genetics Tuebingen
Classification: Likely benign. Last evaluated: 2025-06-01. Review status: criteria provided, single submitter. Criteria: CeGaT Center For Human Genetics Tuebingen Variant Classification Criteria Version 2. Collection method: clinical testing. Allele origin: germline. Affected: yes. Observed: 3 variant alleles.
Comment: RNF220: BP4, BP7, BS2